The following is an entry in ClinVar:

ClinVar aggregate classification (germline): Uncertain significance (1 of 4 stars; one submission).

Conditions:
Frontometaphyseal dysplasia 2 (FMD2). Identifiers: MedGen C4310697, MONDO:0014935, OMIM 617137.
Cardiospondylocarpofacial syndrome (CSCF). Identifiers: Orphanet 3238, MedGen C2931461, MONDO:0008005, OMIM 157800.

gnomAD v4.1: 52 of 1,612,790 alleles (0.0032%); highest among the groups gnomAD compares: East Asian, 0.0045%; no homozygotes.

Submission:

Juno Genomics, Hangzhou Juno Genomics, Inc
Classification: Uncertain significance for Cardiospondylocarpofacial syndrome; Frontometaphyseal dysplasia 2. Review status: criteria provided, single submitter. Criteria: ACMG Guidelines, 2015. Collection method: clinical testing. Allele origin: germline. Affected: yes.
Comment: Absent from controls (or at extremely low frequency if recessive) in Genome Aggregation Database, Exome Sequencing Project, 1000 Genomes Project, or Exome Aggregation Consortium.;Multiple lines of computational evidence support a deleterious effect on the gene or gene product (conservation, evolutionary, splicing impact, etc).

NM_145331.3(MAP3K7):c.793C>T (p.Arg265Cys)

Gene: MAP3K7 (mitogen-activated protein kinase kinase kinase 7; minus strand). Cytogenetic location: 6q15.
Variant type: single nucleotide variant.
Coding change: c.793C>T on transcript NM_145331.3 (MANE Select); coding-DNA position 793, C replaced by T.
Protein change: p.Arg265Cys; replaces arginine 265 with cysteine.
Molecular consequence: missense variant.
Genome position (GRCh38, 1-based): chr6:90,552,123, G>A on the plus strand (C>T on the coding strand, the complement: MAP3K7 is on the minus strand). VCF-style: chr6-90552123-G-A. GRCh37 (hg19) VCF-style: chr6-91261842-G-A.
Other names: c.793C>T, p.Arg265Cys (NM_003188.4, NM_145332.3, NM_145333.3); short protein forms R265C.
Identifiers: ClinVar variation 3382947 (VCV003382947.2).
Genomic context (GRCh38, chr6:90,552,123, plus strand): 5'-TCATTATTTTCACAATTTCCTCCATTGAAGGGCGCTGGGAAGGATCTTTAGACCAACAAC[G>A]AGTCATCAGGCTCTCAATGGGCTTAGGTAAATTTTTTATCAGTGGTGGTCGAGTACCTAC-3'
Protein context (NP_663304.1, residues 255-275): LPKPIESLMT[Arg265Cys]CWSKDPSQRP